The following is an entry in ClinVar:

ClinVar aggregate classification (germline): Pathogenic (1 of 4 stars; one submission).

Conditions:
Mucopolysaccharidosis, MPS-IV-A (MPS4A). Also called: Morquio syndrome A, mild; MORQUIO SYNDROME A; GALACTOSAMINE-6-SULFATASE DEFICIENCY; GALNS DEFICIENCY; MORQUIO A DISEASE; Mucopolysaccharidosis type IV A. Identifiers: Orphanet 309297, Orphanet 582, MedGen C0086651, MONDO:0009659, OMIM 253000.

Submission:

Labcorp Genetics (formerly Invitae), Labcorp
Classification: Pathogenic for Mucopolysaccharidosis, MPS-IV-A. Last evaluated: 2025-07-09. Review status: criteria provided, single submitter. Criteria: Invitae Variant Classification Sherloc (09022015). Collection method: clinical testing. Allele origin: germline.
Comment: This sequence change creates a premature translational stop signal (p.Glu185Argfs*14) in the GALNS gene. It is expected to result in an absent or disrupted protein product. Loss-of-function variants in GALNS are known to be pathogenic (PMID: 12442278). This variant is not present in population databases (gnomAD no frequency). This premature translational stop signal has been observed in individual(s) with Morquio A (PMID: 25137622). For these reasons, this variant has been classified as Pathogenic.

Literature cited by the submitters: PubMed 12442278; PubMed 25137622.

NM_000512.5(GALNS):c.553del (p.Glu185fs)

Gene: GALNS (galactosamine (N-acetyl)-6-sulfatase; minus strand). Cytogenetic location: 16q24.3.
Variant type: Deletion.
Coding change: c.553del on transcript NM_000512.5 (MANE Select); coding-DNA position 553, one base deleted (G; older notation c.553delG).
Protein change: p.Glu185fs; shifts the reading frame from glutamic acid 185.
Molecular consequence: frameshift variant. On other transcripts: 5 prime UTR variant (1).
Genome position (GRCh38, 1-based): chr16:88,837,635, C deleted on the plus strand (G on the coding strand, the reverse complement: GALNS is on the minus strand); the first of 3 consecutive C bases (chr16:88,837,635-88,837,637); deleting any one gives the same sequence. VCF-style (leftmost placement, unchanged base first): chr16-88837634-TC-T. GRCh37 (hg19) VCF-style: chr16-88904042-TC-T.
Other names: c.-3del (NM_001323543.2); c.571del, p.Glu191fs (NM_001323544.2); short protein forms E185fs, E191fs.
Identifiers: ClinVar variation 4710813 (VCV004710813.1).
Genomic context (GRCh38, chr16:88,837,634, plus strand): 5'-GGCACAGCAGTTCAGGACGTGGGAGGGGAAGGGGTGGGGCTCCATTACCTGCCAACCATC[TC>T]CCAGTCCCTGTACACAGGGATGTTGGGCCTGGCCTTGTTGTCATAAGGTCCAAAGTGGCA-3'